The following is an entry in ClinVar:

NM_001195553.2(DCX):c.751G>T (p.Ala251Ser)

Gene: DCX (doublecortin; minus strand). Cytogenetic location: Xq23.
Variant type: single nucleotide variant.
Coding change: c.751G>T on transcript NM_001195553.2 (MANE Select); coding-DNA position 751, G replaced by T.
Protein change: p.Ala251Ser; replaces alanine 251 with serine.
Molecular consequence: missense variant.
Genome position (GRCh38, 1-based): chrX:111,333,108, C>A on the plus strand (G>T on the coding strand, the complement: DCX is on the minus strand). VCF-style: chrX-111333108-C-A. GRCh37 (hg19) VCF-style: chrX-110576336-C-A.
Other names: c.994G>T, p.Ala332Ser (NM_000555.3); c.751G>T, p.Ala251Ser (NM_001369370.1, NM_001369371.1, NM_001369372.1 and 5 more transcripts); short protein forms A251S, A332S.
Identifiers: ClinVar variation 158504 (VCV000158504.13), dbSNP rs587783585, ClinGen allele CA172066.

ClinVar aggregate classification (germline): Pathogenic. Review status: criteria provided, multiple submitters, no conflicts (2 of 4 stars). 2 submissions from 2 submitters: Pathogenic (2). Last evaluated 2021-07-02.

Conditions:
Ectopic tissue. Also called: Heterotopia. Identifiers: MedGen C0008519.

Submissions (2):

Labcorp Genetics (formerly Invitae), Labcorp
Classification: Pathogenic. Last evaluated: 2021-07-02. Review status: criteria provided, single submitter. Criteria: Invitae Variant Classification Sherloc (09022015). Collection method: clinical testing. Allele origin: germline.
Comment: For these reasons, this variant has been classified as Pathogenic. This variant disrupts the p.Ala251 amino acid residue in DCX. Other variant(s) that disrupt this residue have been observed in individuals with DCX-related conditions (PMID: 10807542, 11175293, 28953922; Invitae), which suggests that this may be a clinically significant amino acid residue. Algorithms developed to predict the effect of missense changes on protein structure and function (SIFT, PolyPhen-2, Align-GVGD) all suggest that this variant is likely to be disruptive. ClinVar contains an entry for this variant (Variation ID: 158504). This variant has been observed in individual(s) with lissencephaly and subcortical band heterotopia (PMID: 11175293; Invitae). In at least one individual the variant was observed to be de novo. This variant is not present in population databases (ExAC no frequency). This sequence change replaces alanine with serine at codon 251 of the DCX protein (p.Ala251Ser). The alanine residue is highly conserved and there is a moderate physicochemical difference between alanine and serine.

Genetic Services Laboratory, University of Chicago
Classification: Pathogenic for Abnormality of neuronal migration. Last evaluated: 2013-02-08. Review status: criteria provided, single submitter. Criteria: ACMG Guidelines, 2007. Collection method: clinical testing. Allele origin: germline. Inheritance: Autosomal dominant inheritance. Affected: yes.

Literature cited by the submitters: PubMed 10807542 (cited by Labcorp Genetics (formerly Invitae), Labcorp); PubMed 11175293 (cited by Labcorp Genetics (formerly Invitae), Labcorp); PubMed 28953922 (cited by Labcorp Genetics (formerly Invitae), Labcorp).